The following is an entry in ClinVar:

ClinVar aggregate classification (germline): Uncertain significance (1 of 4 stars; one submission).

Submission:

GeneDx
Classification: Uncertain significance. Last evaluated: 2024-03-27. Review status: criteria provided, single submitter. Criteria: GeneDx Variant Classification Process June 2021. Collection method: clinical testing. Allele origin: germline. Affected: yes.
Comment: Not observed at significant frequency in large population cohorts (gnomAD); In silico analysis supports that this missense variant has a deleterious effect on protein structure/function; Has not been previously published as pathogenic or benign to our knowledge

NM_015107.3(PHF8):c.2146C>T (p.Pro716Ser)

Gene: PHF8 (PHD finger protein 8; minus strand). Cytogenetic location: Xp11.22.
Variant type: single nucleotide variant.
Coding change: c.2146C>T on transcript NM_015107.3 (MANE Select); coding-DNA position 2146, C replaced by T.
Protein change: p.Pro716Ser; replaces proline 716 with serine.
Molecular consequence: missense variant.
Genome position (GRCh38, 1-based): chrX:53,985,211, G>A on the plus strand (C>T on the coding strand, the complement: PHF8 is on the minus strand). VCF-style: chrX-53985211-G-A. GRCh37 (hg19) VCF-style: chrX-54011644-G-A.
Other names: c.2254C>T, p.Pro752Ser (NM_001184896.1); c.1843C>T, p.Pro615Ser (NM_001184897.2); c.2095C>T, p.Pro699Ser (NM_001184898.2); short protein forms P615S, P699S, P716S, P752S.
Identifiers: ClinVar variation 3371622 (VCV003371622.1).